The following is an entry in ClinVar:

ClinVar aggregate classification (germline): Uncertain significance (1 of 4 stars; one submission).

Conditions:
Congenital myasthenic syndrome 13 (CMS13). Also called: Myasthenic syndrome, congenital, 13, with tubular aggregates; Myasthenic syndrome, congenital, with tubular aggregates 2. Identifiers: Orphanet 353327, Orphanet 590, MedGen C3553645, MONDO:0013883, OMIM 614750.
DPAGT1-congenital disorder of glycosylation. Also called: DPAGT1-CDG; CONGENITAL DISORDER OF GLYCOSYLATION, TYPE Ij; CDG Ij. Identifiers: Orphanet 86309, MedGen C2931004, MONDO:0011964, OMIM 608093.

Submission:

Labcorp Genetics (formerly Invitae), Labcorp
Classification: Uncertain significance for Congenital myasthenic syndrome 13; DPAGT1-congenital disorder of glycosylation. Last evaluated: 2022-01-12. Review status: criteria provided, single submitter. Criteria: Invitae Variant Classification Sherloc (09022015). Collection method: clinical testing. Allele origin: germline.
Comment: This sequence change replaces glutamic acid, which is acidic and polar, with lysine, which is basic and polar, at codon 85 of the DPAGT1 protein (p.Glu85Lys). In summary, the available evidence is currently insufficient to determine the role of this variant in disease. Therefore, it has been classified as a Variant of Uncertain Significance. Algorithms developed to predict the effect of missense changes on protein structure and function (SIFT, PolyPhen-2, Align-GVGD) all suggest that this variant is likely to be tolerated. This variant has not been reported in the literature in individuals affected with DPAGT1-related conditions. This variant is not present in population databases (gnomAD no frequency).

NM_001382.4(DPAGT1):c.253G>A (p.Glu85Lys)

Genes: DPAGT1 (dolichyl-phosphate N-acetylglucosaminephosphotransferase 1; minus strand), LOC126861360 (BRD4-independent group 4 enhancer GRCh37_chr11:118972216-118973415; plus strand). Cytogenetic location: 11q23.3.
Variant type: single nucleotide variant.
Coding change: c.253G>A on transcript NM_001382.4 (MANE Select); coding-DNA position 253, G replaced by A.
Protein change: p.Glu85Lys; replaces glutamic acid 85 with lysine.
Molecular consequence: missense variant.
Genome position (GRCh38, 1-based): chr11:119,101,047, C>T on the plus strand (G>A on the coding strand, the complement: DPAGT1 is on the minus strand). VCF-style: chr11-119101047-C-T. GRCh37 (hg19) VCF-style: chr11-118971757-C-T.
Other names: short protein forms E85K.
Identifiers: ClinVar variation 1479048 (VCV001479048.6), dbSNP rs781224323, ClinGen allele CA382915658.
Genomic context (GRCh38, chr11:119,101,047, plus strand): 5'-CACAGGCAATCACCCCCACGAACCCACTTACTTCATGGTGGGGGAATGCCTTACACTGCT[C>T]CTTCACAAAGCAGTTCAGGAAGGGGAAAGGGATGAAGCAGAAGAGGATGATAAGGAAAAC-3'
Protein context (NP_001373.2, residues 75-95): PFPFLNCFVK[Glu85Lys]QCKAFPHHEF